The following is an entry in ClinVar:

NM_001365951.3(KIF1B):c.2753C>T (p.Ser918Phe)

Genes: KIF1B (kinesin family member 1B; plus strand), LOC126805614 (BRD4-independent group 4 enhancer GRCh37_chr1:10385546-10386745; plus strand). Cytogenetic location: 1p36.22.
Variant type: single nucleotide variant.
Coding change: c.2753C>T on transcript NM_001365951.3 (MANE Select); coding-DNA position 2753, C replaced by T.
Protein change: p.Ser918Phe; replaces serine 918 with phenylalanine.
Molecular consequence: missense variant.
Genome position (GRCh38, 1-based): chr1:10,326,188, C>T. VCF-style: chr1-10326188-C-T. GRCh37 (hg19) VCF-style: chr1-10386246-C-T.
Other names: c.2753C>T, p.Ser918Phe (NM_001365952.1); c.2615C>T, p.Ser872Phe (NM_015074.3); short protein forms S918F, S872F.
Identifiers: ClinVar variation 2826085 (VCV002826085.3), dbSNP rs2521639426, ClinGen allele CA338337013.

ClinVar aggregate classification (germline): Uncertain significance (1 of 4 stars; one submission).

Conditions:
Charcot-Marie-Tooth disease type 2. Also called: Charcot-Marie-Tooth type 2. Identifiers: Orphanet 64746, MedGen C0270914, MONDO:0018993.

Submission:

Labcorp Genetics (formerly Invitae), Labcorp
Classification: Uncertain significance for Charcot-Marie-Tooth disease type 2. Last evaluated: 2025-06-16. Review status: criteria provided, single submitter. Criteria: Invitae Variant Classification Sherloc (09022015). Collection method: clinical testing. Allele origin: germline.
Comment: This sequence change replaces serine, which is neutral and polar, with phenylalanine, which is neutral and non-polar, at codon 872 of the KIF1B protein (p.Ser872Phe). This variant is not present in population databases (gnomAD no frequency). This variant has not been reported in the literature in individuals affected with KIF1B-related conditions. ClinVar contains an entry for this variant (Variation ID: 2826085). An algorithm developed to predict the effect of missense changes on protein structure and function (PolyPhen-2) suggests that this variant is likely to be disruptive. In summary, the available evidence is currently insufficient to determine the role of this variant in disease. Therefore, it has been classified as a Variant of Uncertain Significance.